The following is an entry in ClinVar:

NM_012418.4(FSCN2):c.583C>A (p.Arg195Ser)

Gene: FSCN2 (fascin actin-bundling protein 2, retinal; plus strand). Cytogenetic location: 17q25.3.
Variant type: single nucleotide variant.
Coding change: c.583C>A on transcript NM_012418.4 (MANE Select); coding-DNA position 583, C replaced by A.
Protein change: p.Arg195Ser; replaces arginine 195 with serine.
Molecular consequence: missense variant.
Genome position (GRCh38, 1-based): chr17:81,529,114, C>A. VCF-style: chr17-81529114-C-A. GRCh37 (hg19) VCF-style: chr17-79496140-C-A.
Other names: c.583C>A, p.Arg195Ser (NM_001077182.3); short protein forms R195S.
Identifiers: ClinVar variation 2391611 (VCV002391611.6), dbSNP rs782678352, ClinGen allele CA401471810.
Genomic context (GRCh38, chr17:81,529,114, plus strand): 5'-CTCACCCTCATCTTCCGGAGCCGACGGTACTGCCTCAAGTCCTGTGACAGCCGCTACCTG[C>A]GCAGCGACGGCCGTCTGGTCTGGGAGCCTGAGCCCCGTGCCTGCTACACGCTGGAGTTCA-3'
Protein context (NP_036550.1, residues 185-205): CLKSCDSRYL[Arg195Ser]SDGRLVWEPE

ClinVar aggregate classification (germline): Uncertain significance. Review status: criteria provided, multiple submitters, no conflicts (2 of 4 stars). 2 submissions from 2 submitters: Uncertain significance (2). Last evaluated 2025-12-05.

gnomAD v4.1: 34 of 1,584,516 alleles (0.0021%); highest among the groups gnomAD compares: Non-Finnish European, 0.0029%; no homozygotes.

Submissions (2):

Labcorp Genetics (formerly Invitae), Labcorp
Classification: Uncertain significance. Last evaluated: 2025-12-05. Review status: criteria provided, single submitter. Criteria: Invitae Variant Classification Sherloc (09022015). Collection method: clinical testing. Allele origin: germline.
Comment: This sequence change replaces arginine, which is basic and polar, with serine, which is neutral and polar, at codon 195 of the FSCN2 protein (p.Arg195Ser). This variant is present in population databases (no rsID available, gnomAD 0.002%). This variant has not been reported in the literature in individuals affected with FSCN2-related conditions. ClinVar contains an entry for this variant (Variation ID: 2391611). An algorithm developed to predict the effect of missense changes on protein structure and function (PolyPhen-2) suggests that this variant is likely to be tolerated. In summary, the available evidence is currently insufficient to determine the role of this variant in disease. Therefore, it has been classified as a Variant of Uncertain Significance.

Ambry Genetics
Classification: Uncertain significance. Last evaluated: 2025-11-24. Review status: criteria provided, single submitter. Criteria: Ambry Variant Classification Scheme 2023. Collection method: clinical testing. Allele origin: germline.